The following is an entry in ClinVar:

ClinVar aggregate classification (germline): Uncertain significance (1 of 4 stars; one submission).

Conditions:
Cystic fibrosis (CF). Also called: MUCOVISCIDOSIS. Identifiers: Orphanet 586, MedGen C0010674, MONDO:0009061, OMIM 219700. Disease mechanism: loss of function.

Allele frequency attached by ClinVar (database versions not stated): gnomAD exomes 0.00001; ExAC 0.00002.
gnomAD v4.1: 4 of 1,611,556 alleles (0.00025%); highest among the groups gnomAD compares: South Asian, 0.0022%; no homozygotes.

Submission:

Ambry Genetics
Classification: Uncertain significance for Cystic fibrosis. Last evaluated: 2020-09-16. Review status: criteria provided, single submitter. Criteria: Ambry Variant Classification Scheme 2023. Collection method: clinical testing. Allele origin: germline.
Comment: The p.I285T variant (also known as c.854T>C), located in coding exon 7 of the CFTR gene, results from a T to C substitution at nucleotide position 854. The isoleucine at codon 285 is replaced by threonine, an amino acid with similar properties. This amino acid position is highly conserved in available vertebrate species. In addition, this alteration is predicted to be deleterious by in silico analysis. Since supporting evidence is limited at this time, the clinical significance of this alteration remains unclear.

NM_000492.4(CFTR):c.854T>C (p.Ile285Thr)

Gene: CFTR (CF transmembrane conductance regulator; plus strand). Cytogenetic location: 7q31.2.
Variant type: single nucleotide variant.
Coding change: c.854T>C on transcript NM_000492.4 (MANE Select); coding-DNA position 854, T replaced by C.
Protein change: p.Ile285Thr; replaces isoleucine 285 with threonine.
Molecular consequence: missense variant.
Genome position (GRCh38, 1-based): chr7:117,536,658, T>C. VCF-style: chr7-117536658-T-C. GRCh37 (hg19) VCF-style: chr7-117176712-T-C.
Other names: short protein forms I285T.
Identifiers: ClinVar variation 1763822 (VCV001763822.2), dbSNP rs747515655, ClinGen allele CA4450843.